The following is an entry in ClinVar:

ClinVar aggregate classification (germline): Uncertain significance (1 of 4 stars; one submission).

Conditions:
Familial hemophagocytic lymphohistiocytosis 3 (FHL3). Also called: UNC13D-Related Familial Hemophagocytic Lymphohistiocytosis (UNC13D-fHLH). Identifiers: Orphanet 540, MedGen C1837174, MONDO:0012146, OMIM 608898.

Allele frequency attached by ClinVar (database versions not stated): TOPMed 0.00056; ESP Exome Variant Server 0.00069; 1000 Genomes Project 30x 0.00078; 1000 Genomes Project 0.00100.
gnomAD v4.1: 148 of 1,613,756 alleles (0.0092%); highest among the groups gnomAD compares: African/African-American, 0.14%; no homozygotes.

Submission:

Labcorp Genetics (formerly Invitae), Labcorp
Classification: Uncertain significance for Familial hemophagocytic lymphohistiocytosis 3. Last evaluated: 2022-10-16. Review status: criteria provided, single submitter. Criteria: Invitae Variant Classification Sherloc (09022015). Collection method: clinical testing. Allele origin: germline.
Comment: This sequence change replaces arginine, which is basic and polar, with histidine, which is basic and polar, at codon 682 of the UNC13D protein (p.Arg682His). This variant is present in population databases (rs145366134, gnomAD 0.1%). This variant has not been reported in the literature in individuals affected with UNC13D-related conditions. ClinVar contains an entry for this variant (Variation ID: 863371). Advanced modeling of protein sequence and biophysical properties (such as structural, functional, and spatial information, amino acid conservation, physicochemical variation, residue mobility, and thermodynamic stability) performed at Invitae indicates that this missense variant is not expected to disrupt UNC13D protein function. In summary, the available evidence is currently insufficient to determine the role of this variant in disease. Therefore, it has been classified as a Variant of Uncertain Significance.

NM_199242.3(UNC13D):c.2045G>A (p.Arg682His)

Gene: UNC13D (unc-13 homolog D; minus strand). Cytogenetic location: 17q25.1.
Variant type: single nucleotide variant.
Coding change: c.2045G>A on transcript NM_199242.3 (MANE Select); coding-DNA position 2045, G replaced by A.
Protein change: p.Arg682His; replaces arginine 682 with histidine.
Molecular consequence: missense variant.
Genome position (GRCh38, 1-based): chr17:75,834,664, C>T on the plus strand (G>A on the coding strand, the complement: UNC13D is on the minus strand). VCF-style: chr17-75834664-C-T. GRCh37 (hg19) VCF-style: chr17-73830745-C-T.
Other names: short protein forms R682H.
Identifiers: ClinVar variation 863371 (VCV000863371.5), dbSNP rs145366134, ClinGen allele CA8772688.
Genomic context (GRCh38, chr17:75,834,664, plus strand): 5'-AGCTCTGGCCTTACCATGTTGGCTGCCTGGCCTTGGTCCTTCTGGCCTGAAGAGAGCTCG[C>T]GGGCCCGGGCCTTTATAAGGCTGCAGTACACCAGGGCCAGGCGACAGGTGTCCTAGGGTG-3'
Protein context (NP_954712.1, residues 672-692): VYCSLIKARA[Arg682His]ELSSGQKDQG